The following is an entry in ClinVar:

ClinVar aggregate classification (germline): Uncertain significance (1 of 4 stars; one submission).

Conditions:
Charcot-Marie-Tooth disease type 4A. Also called: Charcot-Marie-Tooth disease, demyelinating, autosomal recessive, type 4a. Identifiers: Orphanet 99948, MedGen C1859198, MONDO:0008961, OMIM 214400.

Submission:

Labcorp Genetics (formerly Invitae), Labcorp
Classification: Uncertain significance for Charcot-Marie-Tooth disease type 4A. Last evaluated: 2021-05-30. Review status: criteria provided, single submitter. Criteria: Invitae Variant Classification Sherloc (09022015). Collection method: clinical testing. Allele origin: germline.
Comment: In summary, the available evidence is currently insufficient to determine the role of this variant in disease. Therefore, it has been classified as a Variant of Uncertain Significance. Advanced modeling of protein sequence and biophysical properties (such as structural, functional, and spatial information, amino acid conservation, physicochemical variation, residue mobility, and thermodynamic stability) performed at Invitae indicates that this missense variant is expected to disrupt GDAP1 protein function. This variant has not been reported in the literature in individuals with GDAP1-related conditions. This variant is not present in population databases (ExAC no frequency). This sequence change replaces isoleucine with valine at codon 87 of the GDAP1 protein (p.Ile87Val). The isoleucine residue is highly conserved and there is a small physicochemical difference between isoleucine and valine.

NM_018972.4(GDAP1):c.259A>G (p.Ile87Val)

Gene: GDAP1 (ganglioside induced differentiation associated protein 1; plus strand). Cytogenetic location: 8q21.11.
Variant type: single nucleotide variant.
Coding change: c.259A>G on transcript NM_018972.4 (MANE Select); coding-DNA position 259, A replaced by G.
Protein change: p.Ile87Val; replaces isoleucine 87 with valine.
Molecular consequence: missense variant. On other transcripts: intron variant (2).
Genome position (GRCh38, 1-based): chr8:74,351,415, A>G. VCF-style: chr8-74351415-A-G. GRCh37 (hg19) VCF-style: chr8-75263650-A-G.
Other names: c.55A>G, p.Ile19Val (NM_001040875.4); c.259A>G, p.Ile87Val (NM_001362930.2, NM_001362931.2); c.-18+94A>G (NM_001362929.2); c.-18+837A>G (NM_001362932.2); short protein forms I19V, I87V.
Identifiers: ClinVar variation 1355337 (VCV001355337.8), dbSNP rs2131496333, ClinGen allele CA371499547.